The following is an entry in ClinVar:

NM_000875.5(IGF1R):c.3952G>A (p.Asp1318Asn)

Gene: IGF1R (insulin like growth factor 1 receptor; plus strand). Cytogenetic location: 15q26.3.
Variant type: single nucleotide variant.
Coding change: c.3952G>A on transcript NM_000875.5 (MANE Select); coding-DNA position 3952, G replaced by A.
Protein change: p.Asp1318Asn; replaces aspartic acid 1318 with asparagine.
Molecular consequence: missense variant.
Genome position (GRCh38, 1-based): chr15:98,957,290, G>A. VCF-style: chr15-98957290-G-A. GRCh37 (hg19) VCF-style: chr15-99500519-G-A.
Other names: c.3949G>A, p.Asp1317Asn (NM_001291858.2); short protein forms D1318N, D1317N.
Identifiers: ClinVar variation 2689246 (VCV002689246.5), dbSNP rs138696883, ClinGen allele CA7752843.
Genomic context (GRCh38, chr15:98,957,290, plus strand): 5'-GAGAACATGGAGAGCGTCCCCCTGGACCCCTCGGCCTCCTCGTCCTCCCTGCCACTGCCC[G>A]ACAGACACTCAGGACACAAGGCCGAGAACGGCCCCGGCCCTGGGGTGCTGGTCCTCCGCG-3'
Protein context (NP_000866.1, residues 1308-1328): SASSSSLPLP[Asp1318Asn]RHSGHKAENG

ClinVar aggregate classification (germline): Uncertain significance. Review status: criteria provided, multiple submitters, no conflicts (2 of 4 stars). 2 submissions from 2 submitters: Uncertain significance (2). Last evaluated 2023-11-08.

Conditions:
Growth delay due to insulin-like growth factor I resistance. Also called: Insulin-Like Growth Factor I Resistance; Somatomedin end-organ insensitivity to; Somatomedin-c resistance to; IGF-1 resistance; IGF-I RESISTANCE. Identifiers: Orphanet 73273, MedGen C1849157, MONDO:0010038, OMIM 270450.

gnomAD v4.1: 16 of 1,613,660 alleles (0.00099%); highest among the groups gnomAD compares: Middle Eastern, 0.016%; no homozygotes.

Submissions (2):

Revvity Omics, Revvity
Classification: Uncertain significance for Growth delay due to insulin-like growth factor I resistance. Last evaluated: 2023-11-08. Review status: criteria provided, single submitter. Criteria: ACMG Guidelines, 2015. Collection method: clinical testing. Allele origin: germline.

Labcorp Genetics (formerly Invitae), Labcorp
Classification: Uncertain significance. Last evaluated: 2023-08-24. Review status: criteria provided, single submitter. Criteria: Invitae Variant Classification Sherloc (09022015). Collection method: clinical testing. Allele origin: germline.
Comment: In summary, the available evidence is currently insufficient to determine the role of this variant in disease. Therefore, it has been classified as a Variant of Uncertain Significance. An algorithm developed to predict the effect of missense changes on protein structure and function (PolyPhen-2) suggests that this variant is likely to be tolerated. This variant has not been reported in the literature in individuals affected with IGF1R-related conditions. This variant is present in population databases (rs138696883, gnomAD 0.003%). This sequence change replaces aspartic acid, which is acidic and polar, with asparagine, which is neutral and polar, at codon 1318 of the IGF1R protein (p.Asp1318Asn).